The following is an entry in ClinVar:

NM_014704.4(CEP104):c.2514G>A (p.Pro838=)

Gene: CEP104 (centrosomal protein 104; minus strand). Cytogenetic location: 1p36.32.
Variant type: single nucleotide variant.
Coding change: c.2514G>A on transcript NM_014704.4 (MANE Select); coding-DNA position 2514, G replaced by A.
Protein change: p.Pro838=; no amino-acid change (proline 838 retained).
Molecular consequence: synonymous variant.
Genome position (GRCh38, 1-based): chr1:3,823,231, C>T on the plus strand (G>A on the coding strand, the complement: CEP104 is on the minus strand). VCF-style: chr1-3823231-C-T. GRCh37 (hg19) VCF-style: chr1-3739795-C-T.
Other names: c.2514G>A (NM_014704.3).
Identifiers: ClinVar variation 1615157 (VCV001615157.11), dbSNP rs578262183, ClinGen allele CA551253.

ClinVar aggregate classification (germline): Likely benign. Review status: criteria provided, multiple submitters, no conflicts (2 of 4 stars). 3 submissions from 3 submitters: Likely benign (2). 1 of the submissions does not count toward it. Last evaluated 2025-07-31.

Conditions:
Joubert syndrome 25 (JBTS25). Identifiers: Orphanet 475, MedGen C4084842, MONDO:0014770, OMIM 616781.
CEP104-related disorder. Also called: CEP104-related condition.

Allele frequency attached by ClinVar (database versions not stated): gnomAD 0.00001; TOPMed 0.00005; gnomAD exomes 0.00008.
gnomAD v4.1: 126 of 1,614,030 alleles (0.0078%); highest among the groups gnomAD compares: South Asian, 0.059%; no homozygotes.

Submissions (3):

Labcorp Genetics (formerly Invitae), Labcorp
Classification: Likely benign for Joubert syndrome 25. Last evaluated: 2025-07-31. Review status: criteria provided, single submitter. Criteria: Invitae Variant Classification Sherloc (09022015). Collection method: clinical testing. Allele origin: germline.

Blueprint Genetics
Classification: Likely benign. Last evaluated: 2024-08-26. Review status: criteria provided, single submitter. Criteria: ACMG Guidelines, 2015. Collection method: clinical testing. Allele origin: germline.

PreventionGenetics, part of Exact Sciences
Classification: Likely benign for CEP104-related condition. Last evaluated: 2019-09-26. Review status: no assertion criteria provided. Collection method: clinical testing. Allele origin: germline. Not counted in ClinVar's aggregate classification.
Comment: This variant is classified as likely benign based on ACMG/AMP sequence variant interpretation guidelines (Richards et al. 2015 PMID: 25741868, with internal and published modifications).